The following is an entry in ClinVar:

ClinVar aggregate classification (germline): Likely benign. Review status: criteria provided, multiple submitters, no conflicts (2 of 4 stars). 3 submissions from 3 submitters: Likely benign (3). Last evaluated 2025-10-31.

Conditions:
CTDP1-related disorder. Also called: CTDP1-related condition.

Allele frequency attached by ClinVar (database versions not stated): TOPMed 0.00006; gnomAD 0.00007; gnomAD exomes 0.00009; ESP Exome Variant Server 0.00015; ExAC 0.00022; 1000 Genomes Project 30x 0.00047; 1000 Genomes Project 0.00060.
gnomAD v4.1: 143 of 1,612,604 alleles (0.0089%); highest among the groups gnomAD compares: South Asian, 0.12%; 2 homozygotes.

Submissions (3):

Mayo Clinic Laboratories, Mayo Clinic
Classification: Likely benign. Last evaluated: 2025-10-31. Review status: criteria provided, single submitter. Criteria: ACMG Guidelines, 2015. Collection method: clinical testing. Allele origin: germline. Observed: 1 variant allele.
Comment: BP4, BP7

Labcorp Genetics (formerly Invitae), Labcorp
Classification: Likely benign. Last evaluated: 2025-06-03. Review status: criteria provided, single submitter. Criteria: Invitae Variant Classification Sherloc (09022015). Collection method: clinical testing. Allele origin: germline.

PreventionGenetics, part of Exact Sciences
Classification: Likely benign for CTDP1-related condition. Last evaluated: 2024-11-04. Review status: criteria provided, single submitter. Criteria: ACMG Guidelines, 2015. Collection method: clinical testing. Allele origin: germline.
Comment: This variant is classified as likely benign based on ACMG/AMP sequence variant interpretation guidelines (Richards et al. 2015 PMID: 25741868, with internal and published modifications).

NM_004715.5(CTDP1):c.444G>A (p.Ala148=)

Gene: CTDP1 (CTD phosphatase 1; plus strand). Cytogenetic location: 18q23.
Variant type: single nucleotide variant.
Coding change: c.444G>A on transcript NM_004715.5 (MANE Select); coding-DNA position 444, G replaced by A.
Protein change: p.Ala148=; no amino-acid change (alanine 148 retained).
Molecular consequence: synonymous variant.
Genome position (GRCh38, 1-based): chr18:79,696,022, G>A. VCF-style: chr18-79696022-G-A. GRCh37 (hg19) VCF-style: chr18-77456022-G-A.
Other names: p.Ala148=; c.87G>A, p.Ala29= (NM_001202504.1); c.444G>A, p.Ala148= (NM_001318511.2, NM_048368.4).
Identifiers: ClinVar variation 2901618 (VCV002901618.5), dbSNP rs147215606, ClinGen allele CA9009966.
Genomic context (GRCh38, chr18:79,696,022, plus strand): 5'-TCCTTGCACTTGCAGGTTGCAGAGTAAGAACGGGAAGCAGCAGGTGCCGCTGTCCACGGC[G>A]ACCGTGTCCATGGTGCACAGCGTGCCGGAGTTGATGGTGAGCTCCGAGGTGAGCCGGGCA-3'
Protein context (NP_004706.3, residues 138-158): NGKQQVPLST[Ala148=]TVSMVHSVPE